The following is an entry in ClinVar:

NM_030665.4(RAI1):c.1371T>C (p.Ala457=)

Gene: RAI1 (retinoic acid induced 1; plus strand). Cytogenetic location: 17p11.2.
Variant type: single nucleotide variant.
Coding change: c.1371T>C on transcript NM_030665.4 (MANE Select); coding-DNA position 1371, T replaced by C.
Protein change: p.Ala457=; no amino-acid change (alanine 457 retained).
Molecular consequence: synonymous variant.
Genome position (GRCh38, 1-based): chr17:17,794,319, T>C. VCF-style: chr17-17794319-T-C. GRCh37 (hg19) VCF-style: chr17-17697633-T-C.
Other names: c.1371T>C (NM_030665.3).
Identifiers: ClinVar variation 1555012 (VCV001555012.9), dbSNP rs770227900, ClinGen allele CA8418321.

ClinVar aggregate classification (germline): Likely benign. Review status: criteria provided, single submitter (1 of 4 stars). 2 submissions from 2 submitters: Likely benign (1). 1 of the submissions does not count toward it. Last evaluated 2025-08-04.

Conditions:
RAI1-related disorder. Also called: RAI1-related condition.

Allele frequency attached by ClinVar (database versions not stated): gnomAD exomes below 0.00001; TOPMed below 0.00001; ExAC 0.00001.
gnomAD v4.1: 1 of 1,613,090 alleles (0.000062%); highest among the groups gnomAD compares: Admixed American, 0.0017%; no homozygotes.

Submissions (2):

Labcorp Genetics (formerly Invitae), Labcorp
Classification: Likely benign. Last evaluated: 2025-08-04. Review status: criteria provided, single submitter. Criteria: Invitae Variant Classification Sherloc (09022015). Collection method: clinical testing. Allele origin: germline.

PreventionGenetics, part of Exact Sciences
Classification: Likely benign for RAI1-related condition. Last evaluated: 2021-06-21. Review status: no assertion criteria provided. Collection method: clinical testing. Allele origin: germline. Not counted in ClinVar's aggregate classification.
Comment: This variant is classified as likely benign based on ACMG/AMP sequence variant interpretation guidelines (Richards et al. 2015 PMID: 25741868, with internal and published modifications).